The following is an entry in ClinVar:

NM_014000.3(VCL):c.1352+5G>A

Gene: VCL (vinculin; plus strand). Cytogenetic location: 10q22.2.
Variant type: single nucleotide variant.
Coding change: c.1352+5G>A on transcript NM_014000.3 (MANE Select); 5 bases into the intron after coding-DNA position 1352, G replaced by A.
Molecular consequence: intron variant.
Genome position (GRCh38, 1-based): chr10:74,090,203, G>A. VCF-style: chr10-74090203-G-A. GRCh37 (hg19) VCF-style: chr10-75849961-G-A.
Other names: c.1352+5G>A (NM_003373.4).
Identifiers: ClinVar variation 468807 (VCV000468807.38), dbSNP rs374522164, ClinGen allele CA5562976.

ClinVar aggregate classification (germline): Uncertain significance. Review status: criteria provided, multiple submitters, no conflicts (2 of 4 stars). 5 submissions from 5 submitters: Uncertain significance (5). Last evaluated 2025-11-18.

Conditions:
Cardiovascular phenotype. Identifiers: MedGen CN230736.
VCL-related disorder. Also called: VCL-related condition.
Dilated cardiomyopathy 1W (CMD1W). Identifiers: Orphanet 154, MedGen C1969639, MONDO:0012667, OMIM 611407.

Allele frequency attached by ClinVar (database versions not stated): gnomAD 0.00003; gnomAD exomes 0.00003 and 0.00005; TOPMed 0.00004; ExAC 0.00007; ESP Exome Variant Server 0.00023.
gnomAD v4.1: 42 of 1,613,908 alleles (0.0026%); highest among the groups gnomAD compares: Non-Finnish European, 0.0034%; no homozygotes.

Submissions (7):

PreventionGenetics, part of Exact Sciences
Classification: Uncertain significance for VCL-related condition. Last evaluated: 2025-11-18. Review status: criteria provided, single submitter. Criteria: ACMG Guidelines, 2015. Collection method: clinical testing. Allele origin: germline.
Comment: The VCL c.1352+5G>A variant is predicted to interfere with splicing. To our knowledge, this variant has not been reported in the literature. This variant is reported in 0.011% of alleles in individuals of European (Non-Finnish) descent in gnomAD. At this time, the clinical significance of this variant is uncertain due to the absence of conclusive functional and genetic evidence.

Labcorp Genetics (formerly Invitae), Labcorp
Classification: Uncertain significance for Dilated cardiomyopathy 1W. Last evaluated: 2025-10-18. Review status: criteria provided, single submitter. Criteria: Invitae Variant Classification Sherloc (09022015). Collection method: clinical testing. Allele origin: germline.
Comment: This sequence change falls in intron 10 of the VCL gene. It does not directly change the encoded amino acid sequence of the VCL protein. It affects a nucleotide within the consensus splice site. This variant is present in population databases (rs374522164, gnomAD 0.01%). This variant has not been reported in the literature in individuals affected with VCL-related conditions. ClinVar contains an entry for this variant (Variation ID: 468807). Variants that disrupt the consensus splice site are a relatively common cause of aberrant splicing (PMID: 17576681, 9536098). Algorithms developed to predict the effect of sequence changes on RNA splicing suggest that this variant may disrupt the consensus splice site. In summary, the available evidence is currently insufficient to determine the role of this variant in disease. Therefore, it has been classified as a Variant of Uncertain Significance.

Ambry Genetics
Classification: Uncertain significance for Cardiovascular phenotype. Last evaluated: 2025-10-08. Review status: criteria provided, single submitter. Criteria: Ambry Variant Classification Scheme 2023. Collection method: clinical testing. Allele origin: germline.
Comment: The c.1352+5G>A intronic variant results from a G to A substitution 5 nucleotides after coding exon 10 in the VCL gene. This nucleotide position is highly conserved in available vertebrate species. In silico splice site analysis predicts that this alteration will weaken the native splice donor site. Based on the available evidence, the clinical significance of this variant remains unclear.

CeGaT Center for Human Genetics Tuebingen
Classification: Uncertain significance. Last evaluated: 2022-10-01. Review status: criteria provided, single submitter. Criteria: CeGaT Center For Human Genetics Tuebingen Variant Classification Criteria Version 2. Collection method: clinical testing. Allele origin: germline. Affected: yes. Observed: 1 variant allele.
Comment: VCL: PP3

GeneDx
Classification: Uncertain significance. Last evaluated: 2020-07-02. Review status: criteria provided, single submitter. Criteria: GeneDx Variant Classification Process June 2021. Collection method: clinical testing. Allele origin: germline. Affected: yes.
Comment: Has not been previously published as pathogenic or benign to our knowledge; Reported in ClinVar as a variant of uncertain significance (ClinVar Variant ID# 468807; Landrum et al., 2016); In silico analysis supports a deleterious effect on splicing

Dr. Peter K. Rogan Lab, Western University
No classification provided (evidence only). Condition: Lung cancer. Review status: no classification provided. Collection method: in vitro. Allele origin: not applicable. Functional consequence: skipped exon. Not counted in ClinVar's aggregate classification.

Dr. Peter K. Rogan Lab, Western University
No classification provided (evidence only). Condition: Colorectal cancer. Review status: no classification provided. Collection method: in vitro. Allele origin: not applicable. Functional consequence: retained intron. Not counted in ClinVar's aggregate classification.

Literature cited by the submitters: PubMed 17576681 (cited by Labcorp Genetics (formerly Invitae), Labcorp); PubMed 9536098 (cited by Labcorp Genetics (formerly Invitae), Labcorp).